The following is an entry in ClinVar:

ClinVar aggregate classification (germline): Pathogenic (1 of 4 stars; one submission).

Conditions:
Adams-Oliver syndrome 5 (AOS5). Identifiers: Orphanet 974, MedGen C4014970, MONDO:0014459, OMIM 616028.

Submission:

Labcorp Genetics (formerly Invitae), Labcorp
Classification: Pathogenic for Adams-Oliver syndrome 5. Last evaluated: 2023-07-20. Review status: criteria provided, single submitter. Criteria: Invitae Variant Classification Sherloc (09022015). Collection method: clinical testing. Allele origin: unknown.
Comment: For these reasons, this variant has been classified as Pathogenic. A similar copy number variant has been observed in individual(s) with Adams-Oliver syndrome (PMID: 25132448). This variant is a gross deletion of the genomic region encompassing exon(s) 1 of the NOTCH1 gene, which includes the initiator codon. This deletion extends beyond the assayed region for this gene and therefore may encompass additional genes. It is expected to result in an absent or disrupted protein product. Loss-of-function variants in NOTCH1 are known to be pathogenic (PMID: 16025100, 21457232, 25132448, 25963545).

Literature cited by the submitters: PubMed 25132448; PubMed 16025100; PubMed 21457232; PubMed 25963545.

NC_000009.11:g.(?_139440158)_(139440238_?)del

Gene: NOTCH1 (notch receptor 1; minus strand). Cytogenetic location: 9q34.3.
Variant type: Deletion.
Identifiers: ClinVar variation 3245275 (VCV003245275.1).